The following is an entry in ClinVar:

ClinVar aggregate classification (germline): Conflicting classifications of pathogenicity. Review status: criteria provided, conflicting classifications (1 of 4 stars). 3 submissions from 3 submitters: Uncertain significance (1); Benign (1); Likely benign (1). Last evaluated 2025-09-02.

Conditions:
Bethlem myopathy 1A. Also called: MYOPATHY, BENIGN CONGENITAL, WITH CONTRACTURES; Bethlem myopathy 1; Bethlem Muscular Dystrophy. Identifiers: Orphanet 610, MedGen CN029274, MONDO:0024530, OMIM 158810.
Collagen 6-related myopathy. Identifiers: MedGen CN117976, MONDO:0100225.

Allele frequency attached by ClinVar (database versions not stated): ESP Exome Variant Server 0.00008; TOPMed 0.00008.

Submissions (4):

Labcorp Genetics (formerly Invitae), Labcorp
Classification: Likely benign for Bethlem myopathy 1A. Last evaluated: 2025-09-02. Review status: criteria provided, single submitter. Criteria: Invitae Variant Classification Sherloc (09022015). Collection method: clinical testing. Allele origin: germline.

Eurofins Ntd Llc (ga)
Classification: Uncertain significance. Last evaluated: 2018-07-13. Review status: criteria provided, single submitter. Criteria: EGL ClinVar v180209 classification definitions. Collection method: clinical testing. Allele origin: germline. Observed: 1 variant allele, 1 heterozygote.

Illumina Laboratory Services, Illumina
Classification: Benign for Collagen VI-related myopathy. Last evaluated: 2018-01-13. Review status: criteria provided, single submitter. Criteria: ICSL Variant Classification Criteria 13 December 2019. Collection method: clinical testing. Allele origin: germline.
Comment: This variant was observed in the ICSL laboratory as part of a predisposition screen in an ostensibly healthy population. It had not been previously curated by ICSL or reported in the Human Gene Mutation Database (HGMD: prior to June 1st, 2018), and was therefore a candidate for classification through an automated scoring system. Utilizing variant allele frequency, disease prevalence and penetrance estimates, and inheritance mode, an automated score was calculated to assess if this variant is too frequent to cause the disease. Based on the score and internal cut-off values, a variant classified as benign is not then subjected to further curation. The score for this variant resulted in a classification of benign for this disease.

Dr. Peter K. Rogan Lab, Western University
No classification provided (evidence only). Condition: Uterine carcinosarcoma. Review status: no classification provided. Collection method: in vitro. Allele origin: not applicable. Functional consequence: retained intron. Not counted in ClinVar's aggregate classification.

NM_001848.3(COL6A1):c.1980G>A (p.Ala660=)

Gene: COL6A1 (collagen type VI alpha 1 chain; plus strand). Cytogenetic location: 21q22.3.
Variant type: single nucleotide variant.
Coding change: c.1980G>A on transcript NM_001848.3 (MANE Select); coding-DNA position 1980, G replaced by A.
Protein change: p.Ala660=; no amino-acid change (alanine 660 retained).
Molecular consequence: synonymous variant.
Genome position (GRCh38, 1-based): chr21:46,001,984, G>A. VCF-style: chr21-46001984-G-A. GRCh37 (hg19) VCF-style: chr21-47421898-G-A.
Identifiers: ClinVar variation 340326 (VCV000340326.20), dbSNP rs370780432, ClinGen allele CA10070711.